The following is an entry in ClinVar:

GRCh38/hg38 17q22(chr17:56958745-58171125)x1

Genes: AKAP1 (A-kinase anchoring protein 1; plus strand), AKAP1-DT (AKAP1 divergent transcript; minus strand), CCDC182 (coiled-coil domain containing 182; minus strand), COIL (coilin; minus strand), CUEDC1 (CUE domain containing 1; minus strand) and 73 more. Cytogenetic location: 17q22.
Variant type: copy number loss.
Change: copy number 1 (one copy instead of two) of chr17:56,958,745-58,171,125 (1.21 Mb, GRCh38 coordinates, 1-based), cytogenetic band 17q22.
Identifiers: ClinVar variation 59591 (VCV000059591.1).

ClinVar aggregate classification (germline): Pathogenic (1 of 4 stars; one submission).

Submission:

ISCA site 15
Classification: Pathogenic. Last evaluated: 2011-08-12. Review status: criteria provided, single submitter. Criteria: Kaminsky et al. (Genet Med. 2011). Collection method: clinical testing. Allele origin: de novo. Affected: yes. Observed: 1 variant allele.
Comment: Copy number variation identified through the course of routine clinical cytogenomic testing in postnatal populations. Clinical assertions have been curated as described in Kaminsky et al. 2011.